The following is an entry in ClinVar:

ClinVar aggregate classification (germline): Uncertain significance (1 of 4 stars; one submission).

gnomAD v4.1: 1 of 1,515,540 alleles (0.000066%); highest among the groups gnomAD compares: Non-Finnish European, 0.000088%; no homozygotes.

Submission:

Ambry Genetics
Classification: Uncertain significance. Last evaluated: 2026-05-14. Review status: criteria provided, single submitter. Criteria: Ambry Variant Classification Scheme 2023. Collection method: clinical testing. Allele origin: germline.
Comment: The p.P1462R variant (also known as c.4385C>G), located in coding exon 14 of the CDK12 gene, results from a C to G substitution at nucleotide position 4385. The proline at codon 1462 is replaced by arginine, an amino acid with dissimilar properties. This amino acid position is conserved. In addition, the in silico prediction for this alteration is inconclusive. Based on the available evidence, the clinical significance of this variant remains unclear.

NM_016507.4(CDK12):c.4385C>G (p.Pro1462Arg)

Gene: CDK12 (cyclin dependent kinase 12; plus strand). Cytogenetic location: 17q12.
Variant type: single nucleotide variant.
Coding change: c.4385C>G on transcript NM_016507.4 (MANE Select); coding-DNA position 4385, C replaced by G.
Protein change: p.Pro1462Arg; replaces proline 1462 with arginine.
Molecular consequence: missense variant.
Genome position (GRCh38, 1-based): chr17:39,531,228, C>G. VCF-style: chr17-39531228-C-G. GRCh37 (hg19) VCF-style: chr17-37687481-C-G.
Other names: c.4358C>G, p.Pro1453Arg (NM_015083.4); short protein forms P1453R, P1462R.
Identifiers: ClinVar variation 4868538 (VCV004868538.1).